The following is an entry in ClinVar:

NM_001164508.2(NEB):c.412C>T (p.Arg138Ter)

Gene: NEB (nebulin; minus strand). Cytogenetic location: 2q23.3.
Variant type: single nucleotide variant.
Coding change: c.412C>T on transcript NM_001164508.2 (MANE Select); coding-DNA position 412, C replaced by T.
Protein change: p.Arg138Ter; replaces arginine 138 with a stop codon.
Molecular consequence: nonsense.
Genome position (GRCh38, 1-based): chr2:151,724,952, G>A on the plus strand (C>T on the coding strand, the complement: NEB is on the minus strand). VCF-style: chr2-151724952-G-A. GRCh37 (hg19) VCF-style: chr2-152581466-G-A.
Other names: c.412C>T, p.Arg138Ter (NM_001164507.2, NM_001271208.2, NM_004543.5); short protein forms R138*.
Identifiers: ClinVar variation 371551 (VCV000371551.22), dbSNP rs1057517360, ClinGen allele CA16040858.

ClinVar aggregate classification (germline): Pathogenic. Review status: criteria provided, multiple submitters, no conflicts (2 of 4 stars). 7 submissions from 7 submitters: Pathogenic (4). 3 of the submissions do not count toward it. Last evaluated 2025-03-24.

Conditions:
Nemaline myopathy 2 (NEM2). Also called: Nemaline myopathy 2, autosomal recessive. Identifiers: MedGen C1850569, MONDO:0009725, OMIM 256030.
Arthrogryposis multiplex congenita 6. Identifiers: MedGen C5543431, MONDO:0030281, OMIM 619334.

Allele frequency attached by ClinVar (database versions not stated): gnomAD exomes 0.00001; TOPMed 0.00001.

Submissions (7):

Natera, Inc.
Classification: Pathogenic for Nemaline myopathy type 2. Last evaluated: 2025-03-24. Review status: criteria provided, single submitter. Criteria: Natera Variant Classification Schema (03/2026). Collection method: clinical testing. Allele origin: germline.
Comment: The c.412C>T variant in NEB is a nonsense variant predicted to introduce a stop codon at amino acid 138. This variant is expected to result in nonsense mediated decay, truncation, or a dysfunctional protein product. This variant is rare in the general population with a frequency below the threshold expected for the associated phenotype(s). This variant has been observed in one or more individuals affected with the associated recessive disease, as either homozygous or compound heterozygous with a second variant (PMID: 25205138). Given the available evidence, this variant is classified as Pathogenic.

Baylor Genetics
Classification: Pathogenic for Arthrogryposis multiplex congenita 6. Last evaluated: 2024-03-12. Review status: criteria provided, single submitter. Criteria: ACMG Guidelines, 2015. Collection method: clinical testing. Allele origin: unknown.

Labcorp Genetics (formerly Invitae), Labcorp
Classification: Pathogenic for Nemaline myopathy 2. Last evaluated: 2024-01-25. Review status: criteria provided, single submitter. Criteria: Invitae Variant Classification Sherloc (09022015). Collection method: clinical testing. Allele origin: germline.
Comment: This sequence change creates a premature translational stop signal (p.Arg138*) in the NEB gene. It is expected to result in an absent or disrupted protein product. Loss-of-function variants in NEB are known to be pathogenic (PMID: 25205138). This variant is not present in population databases (gnomAD no frequency). This premature translational stop signal has been observed in individual(s) with nemaline myopathy (PMID: 25205138). ClinVar contains an entry for this variant (Variation ID: 371551). Algorithms developed to predict the effect of sequence changes on RNA splicing suggest that this variant may disrupt the consensus splice site. For these reasons, this variant has been classified as Pathogenic.

Fulgent Genetics
Classification: Pathogenic for Nemaline myopathy 2; Arthrogryposis multiplex congenita 6. Last evaluated: 2021-10-14. Review status: criteria provided, single submitter. Criteria: ACMG Guidelines, 2015. Collection method: clinical testing. Allele origin: unknown.

Counsyl
Classification: Likely pathogenic for Nemaline myopathy 2. Last evaluated: 2016-10-14. Review status: no assertion criteria provided. Collection method: clinical testing. Allele origin: unknown. Not counted in ClinVar's aggregate classification.

Joint Genome Diagnostic Labs from Nijmegen and Maastricht, Radboudumc and MUMC+
Classification: Pathogenic. Review status: no assertion criteria provided. Collection method: clinical testing. Allele origin: germline. Affected: yes. Study: VKGL Data-share Consensus. Not counted in ClinVar's aggregate classification.

Laboratory of Diagnostic Genome Analysis, Leiden University Medical Center (LUMC)
Classification: Likely pathogenic. Review status: no assertion criteria provided. Collection method: clinical testing. Allele origin: germline. Affected: yes. Study: VKGL Data-share Consensus. Not counted in ClinVar's aggregate classification.

Literature cited by the submitters: PubMed 25205138 (cited by 3 submitters).